The following is an entry in ClinVar:

ClinVar aggregate classification (germline): Uncertain significance (1 of 4 stars; one submission).

Conditions:
Spastic paraplegia. Identifiers: MedGen C0037772, HP:0001258.

Allele frequency attached by ClinVar (database versions not stated): gnomAD exomes below 0.00001.
gnomAD v4.1: 1 of 1,612,598 alleles (0.000062%); highest among the groups gnomAD compares: Non-Finnish European, 0.000085%; no homozygotes.

Submission:

Labcorp Genetics (formerly Invitae), Labcorp
Classification: Uncertain significance for Spastic paraplegia. Last evaluated: 2024-01-15. Review status: criteria provided, single submitter. Criteria: Invitae Variant Classification Sherloc (09022015). Collection method: clinical testing. Allele origin: germline.
Comment: This sequence change replaces lysine, which is basic and polar, with arginine, which is basic and polar, at codon 3172 of the SACS protein (p.Lys3172Arg). This variant is not present in population databases (gnomAD no frequency). This variant has not been reported in the literature in individuals affected with SACS-related conditions. Advanced modeling of protein sequence and biophysical properties (such as structural, functional, and spatial information, amino acid conservation, physicochemical variation, residue mobility, and thermodynamic stability) performed at Invitae indicates that this missense variant is not expected to disrupt SACS protein function with a negative predictive value of 95%. In summary, the available evidence is currently insufficient to determine the role of this variant in disease. Therefore, it has been classified as a Variant of Uncertain Significance.

NM_014363.6(SACS):c.9515A>G (p.Lys3172Arg)

Gene: SACS (sacsin molecular chaperone; minus strand). Cytogenetic location: 13q12.12.
Variant type: single nucleotide variant.
Coding change: c.9515A>G on transcript NM_014363.6 (MANE Select); coding-DNA position 9515, A replaced by G.
Protein change: p.Lys3172Arg; replaces lysine 3172 with arginine.
Molecular consequence: missense variant.
Genome position (GRCh38, 1-based): chr13:23,334,361, T>C on the plus strand (A>G on the coding strand, the complement: SACS is on the minus strand). VCF-style: chr13-23334361-T-C. GRCh37 (hg19) VCF-style: chr13-23908500-T-C.
Other names: c.9074A>G, p.Lys3025Arg (NM_001278055.2); short protein forms K3172R, K3025R.
Identifiers: ClinVar variation 2999661 (VCV002999661.2), dbSNP rs1883692451, ClinGen allele CA387514267.